The following is an entry in ClinVar:

ClinVar aggregate classification (germline): Uncertain significance (1 of 4 stars; one submission).

Submission:

GeneDx
Classification: Uncertain significance. Last evaluated: 2024-01-02. Review status: criteria provided, single submitter. Criteria: GeneDx Variant Classification Process June 2021. Collection method: clinical testing. Allele origin: germline. Affected: yes.
Comment: Has not been previously published as pathogenic or benign to our knowledge; In-silico analysis is inconclusive as to whether the variant impacts protein structure/function. In the absence of functional studies, the actual effect of this sequence change is unknown; This variant is associated with the following publications: (PMID: 32519210)

NM_001372044.2(SHANK3):c.2116A>G (p.Ile706Val)

Genes: SHANK3 (SH3 and multiple ankyrin repeat domains 3; plus strand), LOC126863188 (CDK7 strongly-dependent group 2 enhancer GRCh37_chr22:51142004-51143203; plus strand). Cytogenetic location: 22q13.33.
Variant type: single nucleotide variant.
Coding change: c.2116A>G on transcript NM_001372044.2 (MANE Select); coding-DNA position 2116, A replaced by G.
Protein change: p.Ile706Val; replaces isoleucine 706 with valine.
Molecular consequence: missense variant.
Genome position (GRCh38, 1-based): chr22:50,704,857, A>G. VCF-style: chr22-50704857-A-G. GRCh37 (hg19) VCF-style: chr22-51143285-A-G.
Other names: c.1891A>G (NM_033517.1); short protein forms I706V.
Identifiers: ClinVar variation 3367342 (VCV003367342.1).